The following is an entry in ClinVar:

ClinVar aggregate classification (germline): Uncertain significance. Review status: criteria provided, multiple submitters, no conflicts (2 of 4 stars). 2 submissions from 2 submitters: Uncertain significance (2). Last evaluated 2025-09-21.

Conditions:
Inborn genetic diseases. Identifiers: MedGen C0950123, MeSH D030342.

Allele frequency attached by ClinVar (database versions not stated): gnomAD exomes below 0.00001.
gnomAD v4.1: 2 of 1,612,900 alleles (0.00012%); highest among the groups gnomAD compares: Admixed American, 0.0033%; no homozygotes.

Submissions (2):

Ambry Genetics
Classification: Uncertain significance for Inborn genetic diseases. Last evaluated: 2025-09-21. Review status: criteria provided, single submitter. Criteria: Ambry Variant Classification Scheme 2023. Collection method: clinical testing. Allele origin: germline.

Labcorp Genetics (formerly Invitae), Labcorp
Classification: Uncertain significance. Last evaluated: 2022-10-12. Review status: criteria provided, single submitter. Criteria: Invitae Variant Classification Sherloc (09022015). Collection method: clinical testing. Allele origin: germline.
Comment: This sequence change replaces isoleucine, which is neutral and non-polar, with leucine, which is neutral and non-polar, at codon 1633 of the MYO15A protein (p.Ile1633Leu). This variant is present in population databases (no rsID available, gnomAD 0.003%). This variant has not been reported in the literature in individuals affected with MYO15A-related conditions. Advanced modeling of protein sequence and biophysical properties (such as structural, functional, and spatial information, amino acid conservation, physicochemical variation, residue mobility, and thermodynamic stability) performed at Invitae indicates that this missense variant is not expected to disrupt MYO15A protein function. In summary, the available evidence is currently insufficient to determine the role of this variant in disease. Therefore, it has been classified as a Variant of Uncertain Significance.

NM_016239.4(MYO15A):c.4897A>T (p.Ile1633Leu)

Gene: MYO15A (myosin XVA; plus strand). Cytogenetic location: 17p11.2.
Variant type: single nucleotide variant.
Coding change: c.4897A>T on transcript NM_016239.4 (MANE Select); coding-DNA position 4897, A replaced by T.
Protein change: p.Ile1633Leu; replaces isoleucine 1633 with leucine.
Molecular consequence: missense variant.
Genome position (GRCh38, 1-based): chr17:18,138,136, A>T. VCF-style: chr17-18138136-A-T. GRCh37 (hg19) VCF-style: chr17-18041450-A-T.
Other names: c.4897A>T (NM_016239.3); short protein forms I1633L.
Identifiers: ClinVar variation 1904357 (VCV001904357.3), dbSNP rs1156542276, ClinGen allele CA398597079.